The following is an entry in ClinVar:

ClinVar aggregate classification (germline): Uncertain significance (1 of 4 stars; one submission).

Conditions:
Hereditary cancer-predisposing syndrome. Also called: Hereditary Cancer Syndrome; Hereditary neoplastic syndrome; Neoplastic Syndromes, Hereditary; Tumor predisposition. Identifiers: Orphanet 140162, MedGen C0027672, MeSH D009386, MONDO:0015356.

Submission:

Ambry Genetics
Classification: Uncertain significance for Hereditary cancer-predisposing syndrome. Last evaluated: 2025-06-20. Review status: criteria provided, single submitter. Criteria: Ambry Variant Classification Scheme 2023. Collection method: clinical testing. Allele origin: germline.
Comment: The c.609A>G variant (also known as p.G203G), located in coding exon 5 of the EGFR gene, results from an A to G substitution at nucleotide position 609. This nucleotide substitution does not change the amino acid at codon 203. This nucleotide position is not well conserved in available vertebrate species. In silico splice site analysis for this alteration is inconclusive. Based on the available evidence, the clinical significance of this variant remains unclear.

NM_005228.5(EGFR):c.609A>G (p.Gly203=)

Gene: EGFR (epidermal growth factor receptor; plus strand). Cytogenetic location: 7p11.2.
Variant type: single nucleotide variant.
Coding change: c.609A>G on transcript NM_005228.5 (MANE Select); coding-DNA position 609, A replaced by G.
Protein change: p.Gly203=; no amino-acid change (glycine 203 retained).
Molecular consequence: synonymous variant. On other transcripts: intron variant (1).
Genome position (GRCh38, 1-based): chr7:55,151,343, A>G. VCF-style: chr7-55151343-A-G. GRCh37 (hg19) VCF-style: chr7-55219036-A-G.
Other names: c.474A>G, p.Gly158= (NM_001346897.2, NM_001346899.2); c.609A>G, p.Gly203= (NM_001346898.2, NM_201282.2, NM_201283.2 and 1 more transcripts); c.450A>G, p.Gly150= (NM_001346900.2); c.89-4487A>G (NM_001346941.2).
Identifiers: ClinVar variation 4247275 (VCV004247275.1).